The following is an entry in ClinVar:

ClinVar aggregate classification (germline): Pathogenic (1 of 4 stars; one submission).

Conditions:
Hereditary cancer-predisposing syndrome. Also called: Neoplastic Syndromes, Hereditary; Tumor predisposition; Hereditary neoplastic syndrome; Hereditary Cancer Syndrome. Identifiers: Orphanet 140162, MedGen C0027672, MeSH D009386, MONDO:0015356.

Submission:

Ambry Genetics
Classification: Pathogenic for Hereditary cancer-predisposing syndrome. Last evaluated: 2024-03-07. Review status: criteria provided, single submitter. Criteria: Ambry Variant Classification Scheme 2023. Collection method: clinical testing. Allele origin: germline.
Comment: The c.792dupA pathogenic mutation, located in coding exon 5 of the CHEK2 gene, results from a duplication of A at nucleotide position 792, causing a translational frameshift with a predicted alternate stop codon (p.D265Rfs*7). This variant is considered to be rare based on population cohorts in the Genome Aggregation Database (gnomAD). This alteration is expected to result in loss of function by premature protein truncation or nonsense-mediated mRNA decay. As such, this alteration is interpreted as a disease-causing mutation.

NM_007194.4(CHEK2):c.792dup (p.Asp265fs)

Gene: CHEK2 (checkpoint kinase 2; minus strand). Cytogenetic location: 22q12.1.
Variant type: Duplication.
Coding change: c.792dup on transcript NM_007194.4 (MANE Select); coding-DNA position 792, one base duplicated (A; older notation c.792dupA).
Protein change: p.Asp265fs; shifts the reading frame from aspartic acid 265.
Molecular consequence: frameshift variant.
Genome position (GRCh38, 1-based): chr22:28,711,909, T duplicated on the plus strand (A on the coding strand, the reverse complement: CHEK2 is on the minus strand). VCF-style (leftmost placement, unchanged base first): chr22-28711908-C-CT. GRCh37 (hg19) VCF-style: chr22-29107896-C-CT.
Other names: c.921dup, p.Asp308Argfs (NM_001005735.3); c.129dup, p.Asp44Argfs (NM_001257387.3); c.591dup, p.Asp198Argfs (NM_001349956.3); c.792dup, p.Asp265Argfs (NM_145862.3); short protein forms D198fs, D265fs, D308fs, D44fs.
Identifiers: ClinVar variation 3226040 (VCV003226040.1), dbSNP rs2517959333, ClinGen allele CA2825002876.